The following is an entry in ClinVar:

ClinVar aggregate classification (germline): Benign (1 of 4 stars; one submission).

Allele frequency attached by ClinVar (database versions not stated): gnomAD exomes 0.00418; ExAC 0.00618; ESP Exome Variant Server 0.01393; gnomAD 0.01696 and 0.01811; 1000 Genomes Project 0.01897; TOPMed 0.01982; 1000 Genomes Project 30x 0.02139.
gnomAD v4.1: 4,246 of 1,235,144 alleles (0.34%); highest among the groups gnomAD compares: African/African-American, 5.9%; 122 homozygotes.

Submission:

GeneDx
Classification: Benign. Last evaluated: 2018-06-16. Review status: criteria provided, single submitter. Criteria: GeneDx Variant Classification (06012015). Collection method: clinical testing. Allele origin: germline. Affected: yes.
Comment: This variant is considered likely benign or benign based on one or more of the following criteria: it is a conservative change, it occurs at a poorly conserved position in the protein, it is predicted to be benign by multiple in silico algorithms, and/or has population frequency not consistent with disease.

NM_178335.3(CCDC50):c.977-43C>T

Gene: CCDC50 (coiled-coil domain containing 50; plus strand). Cytogenetic location: 3q28.
Variant type: single nucleotide variant.
Coding change: c.977-43C>T on transcript NM_178335.3 (MANE Select); 43 bases into the intron before coding-DNA position 977, C replaced by T.
Molecular consequence: intron variant.
Genome position (GRCh38, 1-based): chr3:191,380,116, C>T. VCF-style: chr3-191380116-C-T. GRCh37 (hg19) VCF-style: chr3-191097905-C-T.
Other names: c.449-43C>T (NM_174908.4).
Identifiers: ClinVar variation 676642 (VCV000676642.1), dbSNP rs79890347, ClinGen allele CA2755385.